The following is an entry in ClinVar:

NM_005633.4(SOS1):c.961G>A (p.Ala321Thr)

Gene: SOS1 (SOS Ras/Rac guanine nucleotide exchange factor 1; minus strand). Cytogenetic location: 2p22.1.
Variant type: single nucleotide variant.
Coding change: c.961G>A on transcript NM_005633.4 (MANE Select); coding-DNA position 961, G replaced by A.
Protein change: p.Ala321Thr; replaces alanine 321 with threonine.
Molecular consequence: missense variant.
Genome position (GRCh38, 1-based): chr2:39,035,404, C>T on the plus strand (G>A on the coding strand, the complement: SOS1 is on the minus strand). VCF-style: chr2-39035404-C-T. GRCh37 (hg19) VCF-style: chr2-39262545-C-T.
Other names: c.940G>A, p.Ala314Thr (NM_001382394.1); c.961G>A, p.Ala321Thr (NM_001382395.1); short protein forms A321T, A314T.
Identifiers: ClinVar variation 561752 (VCV000561752.5), dbSNP rs1558480612, ClinGen allele CA346367316.

ClinVar aggregate classification (germline): Uncertain significance. Review status: criteria provided, multiple submitters, no conflicts (2 of 4 stars). 4 submissions from 3 submitters: Uncertain significance (4). Last evaluated 2023-12-11.

Conditions:
Noonan syndrome 4 (NS4). Also called: SOS1-Related Noonan Syndrome; NOONAN SYNDROME WITH PIGMENTED VILLONODULAR SYNOVITIS. Identifiers: Orphanet 648, MedGen C1853120, MONDO:0012547, OMIM 610733.
Cardiovascular phenotype. Identifiers: MedGen CN230736.
Fibromatosis, gingival, 1 (GINGF1). Identifiers: Orphanet 2024, MedGen C4551558, MONDO:0007609, OMIM 135300.

Allele frequency attached by ClinVar (database versions not stated): gnomAD exomes below 0.00001.
gnomAD v4.1: 5 of 1,612,382 alleles (0.00031%); highest among the groups gnomAD compares: Non-Finnish European, 0.00042%; no homozygotes.

Submissions (4):

Ambry Genetics
Classification: Uncertain significance for Cardiovascular phenotype. Last evaluated: 2023-12-11. Review status: criteria provided, single submitter. Criteria: Ambry Variant Classification Scheme 2023. Collection method: clinical testing. Allele origin: germline.
Comment: The p.A321T variant (also known as c.961G>A), located in coding exon 7 of the SOS1 gene, results from a G to A substitution at nucleotide position 961. The alanine at codon 321 is replaced by threonine, an amino acid with similar properties. This amino acid position is highly conserved in available vertebrate species. In addition, this alteration is predicted to be deleterious by in silico analysis. Since supporting evidence is limited at this time, the clinical significance of this alteration remains unclear.

GeneDx
Classification: Uncertain significance. Last evaluated: 2022-12-07. Review status: criteria provided, single submitter. Criteria: GeneDx Variant Classification Process June 2021. Collection method: clinical testing. Allele origin: germline. Affected: yes.
Comment: Has not been previously published as pathogenic or benign to our knowledge; Missense variants in this gene are often considered pathogenic (HGMD); In silico analysis supports that this missense variant does not alter protein structure/function; This variant is associated with the following publications: (PMID: 29493581)

Genome-Nilou Lab
Classification: Uncertain significance for Noonan syndrome 4. Review status: criteria provided, single submitter. Criteria: ACMG Guidelines, 2015. Collection method: clinical testing. Allele origin: germline.

Genome-Nilou Lab
Classification: Uncertain significance for Fibromatosis, gingival, 1. Review status: criteria provided, single submitter. Criteria: ACMG Guidelines, 2015. Collection method: clinical testing. Allele origin: germline.